The following is an entry in ClinVar:

ClinVar aggregate classification (germline): Pathogenic. Review status: criteria provided, multiple submitters, no conflicts (2 of 4 stars). 2 submissions from 2 submitters: Pathogenic (2). Last evaluated 2024-05-20.

Conditions:
Hereditary cancer-predisposing syndrome. Also called: Neoplastic Syndromes, Hereditary; Hereditary Cancer Syndrome; Hereditary neoplastic syndrome; Tumor predisposition. Identifiers: Orphanet 140162, MedGen C0027672, MeSH D009386, MONDO:0015356.
Retinoblastoma (RB1). Also called: RETINOBLASTOMA, SOMATIC. Identifiers: Orphanet 790, MedGen C0035335, MeSH D012175, MONDO:0008380, OMIM 180200, HP:0009919. Disease mechanism: loss of function. Inheritance: Both sporadic and heritable forms are tested..

Submissions (2):

Genetic Diagnostic Laboratory, University of Pennsylvania School of Medicine
Classification: Pathogenic for Retinoblastoma. Last evaluated: 2024-05-20. Review status: criteria provided, single submitter. Criteria: ACMG Guidelines, 2015. Collection method: clinical testing. Allele origin: germline. Affected: yes. Observed: 1 variant allele.
Comment: Case and Pedigree Information: BILATERAL CASES:1, UNILATERAL CASES:0, TOTAL CASES:1, PEDIGREES:1. ACMG Codes Applied:PVS1, PM2

Ambry Genetics
Classification: Pathogenic for Hereditary cancer-predisposing syndrome. Last evaluated: 2023-05-31. Review status: criteria provided, single submitter. Criteria: Ambry Variant Classification Scheme 2023. Collection method: clinical testing. Allele origin: germline.
Comment: The c.1853_1857delCAACT pathogenic mutation, located in coding exon 19 of the RB1 gene, results from a deletion of 5 nucleotides at nucleotide positions 1853 to 1857, causing a translational frameshift with a predicted alternate stop codon (p.S618Yfs*33). This variant is considered to be rare based on population cohorts in the Genome Aggregation Database (gnomAD). This alteration is expected to result in loss of function by premature protein truncation or nonsense-mediated mRNA decay. As such, this alteration is interpreted as a disease-causing mutation.

NM_000321.3(RB1):c.1853_1857del (p.Ser618fs)

Gene: RB1 (RB transcriptional corepressor 1; plus strand). Cytogenetic location: 13q14.2.
Variant type: Deletion.
Coding change: c.1853_1857del on transcript NM_000321.3 (MANE Select); coding-DNA positions 1853 to 1857, 5 bases deleted (CAACT; older notation c.1853_1857delCAACT).
Protein change: p.Ser618fs; shifts the reading frame from serine 618.
Molecular consequence: frameshift variant.
Genome position (GRCh38, 1-based): chr13:48,456,242-48,456,246, CAACT deleted; deleting any 5 consecutive bases within chr13:48,456,241-48,456,246 gives the same sequence; the c. name uses the placement nearest the transcript's 3' end. VCF-style (leftmost placement, unchanged base first): chr13-48456240-TTCAAC-T. GRCh37 (hg19) VCF-style: chr13-49030376-TTCAAC-T.
Other names: c.1853_1857del, p.Ser618fs (NM_001407165.1); short protein forms S618fs.
Identifiers: ClinVar variation 2565235 (VCV002565235.3), dbSNP rs2542364044, ClinGen allele CA2580614721.